The following is an entry in ClinVar:

ClinVar aggregate classification (germline): Pathogenic. Review status: criteria provided, multiple submitters, no conflicts (2 of 4 stars). 2 submissions from 2 submitters: Pathogenic (2). Last evaluated 2023-12-01.

Conditions:
AGK-related disorder. Also called: AGK-related disorders; AGK-related condition. Identifiers: MedGen CN239194.
Sengers syndrome. Also called: MITOCHONDRIAL DNA DEPLETION SYNDROME 10 (CARDIOMYOPATHIC TYPE); Cardiomyopathy and cataract. Identifiers: Orphanet 1369, MedGen C1859317, MONDO:0008922, OMIM 212350.

Allele frequency attached by ClinVar (database versions not stated): gnomAD exomes below 0.00001.
gnomAD v4.1: 1 of 1,611,304 alleles (0.000062%); highest among the groups gnomAD compares: Non-Finnish European, 0.000085%; no homozygotes.

Submissions (2):

Women's Health and Genetics/Laboratory Corporation of America, LabCorp
Classification: Pathogenic for AGK-related disorder. Last evaluated: 2023-12-01. Review status: criteria provided, single submitter. Criteria: LabCorp Variant Classification Summary - May 2015. Collection method: clinical testing. Allele origin: germline.
Comment: Variant summary: AGK c.518+1G>A is located in a canonical splice-site and is predicted to affect mRNA splicing resulting in a significantly altered protein due to either exon skipping, shortening, or inclusion of intronic material. Two computational tools predict a significant impact on normal splicing. A recent report confirmed this prediction, by demonstrating that the variant resulted in aberrant splicing in a patient derived sample (Barbosa-Gouveia_2021). The variant allele was absent in 251244 chromosomes (gnomAD v2.1). The variant has been reported in two homozygous patients affected with Sengers Syndrome (e.g. Jou_2019, Barbosa-Gouveia_2021a, Barbosa-Gouveia_2021b). One of these studies also reported in vitro functional evidence, demonstrating reduced electron flow through the mitochondrial respiratory chain, and spectrophotometry revealed decreased activity of OXPHOS complexes I and V (Barbosa-Gouveia_2021b). The following publications have been ascertained in the context of this evaluation (PMID: 30634555, 34440436, 34948281). One submitter has cited clinical-significance assessments for this variant to ClinVar after 2014, and classified the variant as pathogenic. Based on the evidence outlined above, the variant was classified as pathogenic.

Diagnostic and Treatment Unit for Congenital Metabolic Diseases, Hopital Clínico Universitario de Santiago de Compostela (CHUS)
Classification: Pathogenic for Sengers syndrome. Last evaluated: 2021-12-15. Review status: criteria provided, single submitter. Criteria: ACMG Guidelines, 2015. Collection method: clinical testing, in vitro. Allele origin: biparental, not applicable. Affected: yes. Observed: 1 homozygote. Segregation with disease observed.

Literature cited by the submitters: PubMed 34440436 (cited by Women's Health and Genetics/Laboratory Corporation of America, LabCorp); PubMed 30634555 (cited by Women's Health and Genetics/Laboratory Corporation of America, LabCorp); PubMed 34948281 (cited by Women's Health and Genetics/Laboratory Corporation of America, LabCorp and Diagnostic and Treatment Unit for Congenital Metabolic Diseases, Hopital Clínico Universitario de Santiago de Compostela (CHUS)).

NM_018238.4(AGK):c.518+1G>A

Gene: AGK (acylglycerol kinase; plus strand). Cytogenetic location: 7q34.
Variant type: single nucleotide variant.
Coding change: c.518+1G>A on transcript NM_018238.4 (MANE Select); the canonical splice donor site of the intron after coding-DNA position 518, G replaced by A.
Molecular consequence: splice donor variant.
Genome position (GRCh38, 1-based): chr7:141,615,566, G>A. VCF-style: chr7-141615566-G-A. GRCh37 (hg19) VCF-style: chr7-141315366-G-A.
Other names: c.518+1G>A (NM_001364948.3).
Identifiers: ClinVar variation 1705023 (VCV001705023.2), dbSNP rs2485391716, ClinGen allele CA369551275.